The following is an entry in ClinVar:

NM_001164508.2(NEB):c.1998G>A (p.Glu666=)

Gene: NEB (nebulin; minus strand). Cytogenetic location: 2q23.3.
Variant type: single nucleotide variant.
Coding change: c.1998G>A on transcript NM_001164508.2 (MANE Select); coding-DNA position 1998, G replaced by A.
Protein change: p.Glu666=; no amino-acid change (glutamic acid 666 retained).
Molecular consequence: synonymous variant.
Genome position (GRCh38, 1-based): chr2:151,692,261, C>T on the plus strand (G>A on the coding strand, the complement: NEB is on the minus strand). VCF-style: chr2-151692261-C-T. GRCh37 (hg19) VCF-style: chr2-152548775-C-T.
Other names: c.1998G>A, p.Glu666= (NM_001164507.2, NM_001271208.2, NM_004543.5).
Identifiers: ClinVar variation 4687736 (VCV004687736.1).

ClinVar aggregate classification (germline): Uncertain significance (1 of 4 stars; one submission).

gnomAD v4.1: 4 of 1,613,380 alleles (0.00025%); highest among the groups gnomAD compares: Non-Finnish European, 0.00034%; no homozygotes.

Submission:

Women's Health and Genetics/Laboratory Corporation of America, LabCorp
Classification: Uncertain significance. Last evaluated: 2025-10-27. Review status: criteria provided, single submitter. Criteria: LabCorp Variant Classification Summary - May 2015. Collection method: clinical testing. Allele origin: germline.
Comment: Variant summary: NEB c.1998G>A (p.Glu666Glu) alters a conserved nucleotide located close to a canonical splice site and therefore could affect mRNA splicing, leading to a significantly altered protein sequence. Several computational tools predict a significant impact on normal splicing: Two predict the variant abolishes a 5' splicing donor site. One predicts the variant abolishes a cryptic 5' donor site. One predicts the variant abolishes a cryptic 5' donor site. However, these predictions have yet to be confirmed by functional studies. The variant allele was found at a frequency of 4e-06 in 248988 control chromosomes. The available data on variant occurrences in the general population are insufficient to allow any conclusion about variant significance. c.1998G>A has been observed in the presumed compound heterozygous state in at least 1 individual(s) affected with Nemaline Myopathy 2 (example, Hildebrandt_2025). These data do not allow any conclusion about variant significance. To our knowledge, no experimental evidence demonstrating an impact on protein function has been reported. The following publication has been ascertained in the context of this evaluation (PMID: 40661861). No submitters have cited clinical-significance assessments for this variant to ClinVar. Based on the evidence outlined above, the variant was classified as uncertain significance.

Literature cited by the submitters: PubMed 40661861.